The following is an entry in ClinVar:

ClinVar aggregate classification (germline): Conflicting classifications of pathogenicity. Review status: criteria provided, conflicting classifications (1 of 4 stars). 3 submissions from 3 submitters: Uncertain significance (2); Likely benign (1). Last evaluated 2025-09-09.

Conditions:
Familial adenomatous polyposis 2. Also called: COLORECTAL ADENOMATOUS POLYPOSIS, AUTOSOMAL RECESSIVE; ADENOMAS, MULTIPLE COLORECTAL, AUTOSOMAL RECESSIVE; MYH-associated polyposis; FAP type 2; MUTYH-associated polyposis; MUTYH-related attenuated familial adenomatous polyposis. Identifiers: Orphanet 220460, Orphanet 247798, MedGen C3272841, MONDO:0012041, OMIM 608456.
Hereditary cancer-predisposing syndrome. Also called: Tumor predisposition; Hereditary Cancer Syndrome; Neoplastic Syndromes, Hereditary; Hereditary neoplastic syndrome. Identifiers: Orphanet 140162, MedGen C0027672, MeSH D009386, MONDO:0015356.

Submissions (3):

Ambry Genetics
Classification: Likely benign for Hereditary cancer-predisposing syndrome. Last evaluated: 2025-09-09. Review status: criteria provided, single submitter. Criteria: Ambry Variant Classification Scheme 2023. Collection method: clinical testing. Allele origin: germline.

Labcorp Genetics (formerly Invitae), Labcorp
Classification: Uncertain significance for Familial adenomatous polyposis 2. Last evaluated: 2024-04-23. Review status: criteria provided, single submitter. Criteria: Invitae Variant Classification Sherloc (09022015). Collection method: clinical testing. Allele origin: germline.
Comment: This sequence change replaces alanine, which is neutral and non-polar, with valine, which is neutral and non-polar, at codon 362 of the MUTYH protein (p.Ala362Val). This variant is not present in population databases (gnomAD no frequency). This variant has not been reported in the literature in individuals affected with MUTYH-related conditions. ClinVar contains an entry for this variant (Variation ID: 959270). Algorithms developed to predict the effect of missense changes on protein structure and function output the following: SIFT: "Not Available"; PolyPhen-2: "Benign"; Align-GVGD: "Not Available". The valine amino acid residue is found in multiple mammalian species, which suggests that this missense change does not adversely affect protein function. In summary, the available evidence is currently insufficient to determine the role of this variant in disease. Therefore, it has been classified as a Variant of Uncertain Significance.

Mendelics
Classification: Uncertain significance. Last evaluated: 2022-05-04. Review status: criteria provided, single submitter. Criteria: Mendelics Assertion Criteria 2019. Collection method: clinical testing. Allele origin: germline.

Literature cited by the submitters: PubMed 40738107 (cited by Ambry Genetics).

NM_001048174.2(MUTYH):c.1001C>T (p.Ala334Val)

Gene: MUTYH (mutY DNA glycosylase; minus strand). Cytogenetic location: 1p34.1.
Variant type: single nucleotide variant.
Coding change: c.1001C>T on transcript NM_001048174.2 (MANE Select); coding-DNA position 1001, C replaced by T.
Protein change: p.Ala334Val; replaces alanine 334 with valine.
Molecular consequence: missense variant. On other transcripts: non-coding transcript variant (2).
Genome position (GRCh38, 1-based): chr1:45,331,762, G>A on the plus strand (C>T on the coding strand, the complement: MUTYH is on the minus strand). VCF-style: chr1-45331762-G-A. GRCh37 (hg19) VCF-style: chr1-45797434-G-A.
Other names: c.1001C>T, p.Ala334Val (NM_001048171.2, NM_001048173.2, NM_001293195.2); c.1004C>T, p.Ala335Val (NM_001048172.2); c.1085C>T, p.Ala362Val (NM_001128425.2); c.1046C>T, p.Ala349Val (NM_001293190.2); c.1034C>T, p.Ala345Val (NM_001293191.2); c.725C>T, p.Ala242Val (NM_001293192.2, NM_001293196.2); c.656C>T, p.Ala219Val (NM_001350650.2, NM_001350651.2); c.1076C>T, p.Ala359Val (NM_012222.3); short protein forms A219V, A335V, A345V, A349V, A362V, A242V, A334V, A359V.
Identifiers: ClinVar variation 959270 (VCV000959270.12), dbSNP rs753207020, ClinGen allele CA340133625.